The following is an entry in ClinVar:

ClinVar aggregate classification (germline): Pathogenic/Likely pathogenic. Review status: criteria provided, multiple submitters, no conflicts (2 of 4 stars). 4 submissions from 4 submitters: Pathogenic (1); Likely pathogenic (2). 1 of the submissions does not count toward it. Last evaluated 2023-06-13.

Conditions:
Polycystic kidney disease 4 (PKD4). Also called: POLYCYSTIC KIDNEY AND HEPATIC DISEASE 1; POLYCYSTIC KIDNEY DISEASE, INFANTILE, TYPE I; POLYCYSTIC KIDNEY DISEASE 4 WITH OR WITHOUT POLYCYSTIC LIVER DISEASE; Autosomal Recessive Polycystic Kidney Disease – PKHD1; PKD3. Identifiers: MedGen C4540575, MONDO:0033004, OMIM 263200.
Autosomal recessive polycystic kidney disease (ARPKD). Also called: AR polycystic kidney disease. Identifiers: Orphanet 731, Orphanet 8378, MedGen C0085548, MeSH D017044, MONDO:0009889.
PKHD1-related disorder. Also called: PKHD1-related condition.

Allele frequency attached by ClinVar (database versions not stated): gnomAD exomes below 0.00001.

Submissions (4):

Blueprint Genetics
Classification: Likely pathogenic for PKHD1-related disorders. Last evaluated: 2023-06-13. Review status: criteria provided, single submitter. Criteria: ACMG Guidelines, 2015. Collection method: clinical testing. Allele origin: germline. Affected: yes. Observed: 1 variant allele.

Baylor Genetics
Classification: Likely pathogenic for Polycystic kidney disease 4. Last evaluated: 2022-10-06. Review status: criteria provided, single submitter. Criteria: ACMG Guidelines, 2015. Collection method: clinical testing. Allele origin: unknown.

Labcorp Genetics (formerly Invitae), Labcorp
Classification: Pathogenic for Autosomal recessive polycystic kidney disease. Last evaluated: 2022-04-18. Review status: criteria provided, single submitter. Criteria: Invitae Variant Classification Sherloc (09022015). Collection method: clinical testing. Allele origin: germline.
Comment: This sequence change creates a premature translational stop signal (p.Thr1101Asnfs*6) in the PKHD1 gene. It is expected to result in an absent or disrupted protein product. Loss-of-function variants in PKHD1 are known to be pathogenic (PMID: 19940839). For these reasons, this variant has been classified as Pathogenic. ClinVar contains an entry for this variant (Variation ID: 370897). This variant has not been reported in the literature in individuals affected with PKHD1-related conditions. This variant is not present in population databases (gnomAD no frequency).

Counsyl
Classification: Likely pathogenic for Polycystic kidney disease 4. Last evaluated: 2016-05-09. Review status: no assertion criteria provided. Collection method: clinical testing. Allele origin: unknown. Not counted in ClinVar's aggregate classification.

Literature cited by the submitters: PubMed 19940839 (cited by Labcorp Genetics (formerly Invitae), Labcorp).

NM_138694.4(PKHD1):c.3302del (p.Thr1101fs)

Gene: PKHD1 (PKHD1 ciliary IPT domain containing fibrocystin/polyductin; minus strand). Cytogenetic location: 6p12.2.
Variant type: Deletion.
Coding change: c.3302del on transcript NM_138694.4 (MANE Select); coding-DNA position 3302, one base deleted (C; older notation c.3302delC).
Protein change: p.Thr1101fs; shifts the reading frame from threonine 1101.
Molecular consequence: frameshift variant.
Genome position (GRCh38, 1-based): chr6:52,033,092, G deleted on the plus strand (C on the coding strand, the reverse complement: PKHD1 is on the minus strand). VCF-style (leftmost placement, unchanged base first): chr6-52033091-TG-T. GRCh37 (hg19) VCF-style: chr6-51897889-TG-T.
Other names: c.3302del, p.Thr1101fs (NM_170724.3); short protein forms T1101fs.
Identifiers: ClinVar variation 370897 (VCV000370897.10), dbSNP rs774250209, ClinGen allele CA16041061.